The following is an entry in ClinVar:

NM_000186.4(CFH):c.3207T>C (p.Ser1069=)

Gene: CFH (complement factor H; plus strand). Cytogenetic location: 1q31.3.
Variant type: single nucleotide variant.
Coding change: c.3207T>C on transcript NM_000186.4 (MANE Select); coding-DNA position 3207, T replaced by C.
Protein change: p.Ser1069=; no amino-acid change (serine 1069 retained).
Molecular consequence: synonymous variant.
Genome position (GRCh38, 1-based): chr1:196,743,525, T>C. VCF-style: chr1-196743525-T-C. GRCh37 (hg19) VCF-style: chr1-196712655-T-C.
Other names: p.Ser1069=.
Identifiers: ClinVar variation 294523 (VCV000294523.45), dbSNP rs62641697, ClinGen allele CA1305875.

ClinVar aggregate classification (germline): Benign/Likely benign. Review status: criteria provided, multiple submitters, no conflicts (2 of 4 stars). 18 submissions from 12 submitters: Benign (6); Likely benign (9). 3 of the submissions do not count toward it. Last evaluated 2026-01-22.

Conditions:
Age related macular degeneration 4. Identifiers: MedGen C1853147, MONDO:0012540, OMIM 610698.
Factor H deficiency (CFHD). Also called: CFH DEFICIENCY; COMPLEMENT FACTOR H DEFICIENCY. Identifiers: Orphanet 200421, MedGen C0398777, MONDO:0012350, OMIM 609814.
Basal laminar drusen. Also called: DRUSEN OF BRUCH MEMBRANE; DRUSEN, CUTICULAR; DRUSEN, EARLY ADULT-ONSET, GROUPED. Identifiers: Orphanet 75376, MedGen C0730295, MONDO:0007472, OMIM 126700.
Atypical hemolytic-uremic syndrome. Identifiers: Orphanet 2134, MedGen C2931788, MONDO:0016244.
Hemolytic uremic syndrome, atypical, susceptibility to, 1. Also called: AHUS, SUSCEPTIBILITY TO, 1. Identifiers: Orphanet 2134, Orphanet 90038, MedGen C2749604, MONDO:0009335, OMIM 235400. Disease mechanism: Other.
CFH-Related Dense Deposit Disease / Membranoproliferative Glomerulonephritis Type II. Identifiers: MedGen CN071292.

Allele frequency attached by ClinVar (database versions not stated): gnomAD exomes 0.00047 and 0.00104; ExAC 0.00096; 1000 Genomes Project 30x 0.00141; ESP Exome Variant Server 0.00169; 1000 Genomes Project 0.00180; gnomAD 0.00206 and 0.00219.
gnomAD v4.1: 1,082 of 1,614,012 alleles (0.067%); highest among the groups gnomAD compares: African/African-American, 0.61%; 2 homozygotes.

Submissions (18):

Women's Health and Genetics/Laboratory Corporation of America, LabCorp
Classification: Likely benign. Last evaluated: 2026-01-22. Review status: criteria provided, single submitter. Criteria: LabCorp Variant Classification Summary - May 2015. Collection method: clinical testing. Allele origin: germline.

Genomenon, Inc
Classification: Benign for Basal laminar drusen; Age related macular degeneration 4; Atypical hemolytic-uremic syndrome; Factor H deficiency. Last evaluated: 2025-10-02. Review status: criteria provided, single submitter. Criteria: Genomenon Sequence Variant Interpretation Standards - Updated. Collection method: curation. Allele origin: germline. Affected: no.
Comment: CFH p.Ser1069= (c.3207T>C) is a synonymous variant that retains Serine at residue 1069. This variant has been reported in the published literature (PMID:30225434;36211394). This variant is present at high allele frequency in population databases. In conclusion, we classify CFH p.Ser1069= (c.3207T>C) as a benign variant.

Mayo Clinic Laboratories, Mayo Clinic
Classification: Likely benign. Last evaluated: 2025-07-17. Review status: criteria provided, single submitter. Criteria: ACMG Guidelines, 2015. Collection method: clinical testing. Allele origin: germline. Observed: 23 variant alleles.
Comment: BP4, BP7

Blueprint Genetics
Classification: Likely benign. Last evaluated: 2024-11-13. Review status: criteria provided, single submitter. Criteria: ACMG Guidelines, 2015. Collection method: clinical testing. Allele origin: germline.

CeGaT Center for Human Genetics Tuebingen
Classification: Likely benign. Last evaluated: 2024-02-01. Review status: criteria provided, single submitter. Criteria: CeGaT Center For Human Genetics Tuebingen Variant Classification Criteria Version 2. Collection method: clinical testing. Allele origin: germline. Affected: yes. Observed: 2 variant alleles.
Comment: CFH: BP4, BP7

Genome-Nilou Lab
Classification: Benign for Hemolytic uremic syndrome, atypical, susceptibility to, 1. Last evaluated: 2023-04-11. Review status: criteria provided, single submitter. Criteria: ACMG Guidelines, 2015. Collection method: clinical testing. Allele origin: germline. Affected: no.

Genome-Nilou Lab
Classification: Benign for Age related macular degeneration 4. Last evaluated: 2023-04-11. Review status: criteria provided, single submitter. Criteria: ACMG Guidelines, 2015. Collection method: clinical testing. Allele origin: germline. Affected: no.

Genome-Nilou Lab
Classification: Benign for Basal laminar drusen. Last evaluated: 2023-04-11. Review status: criteria provided, single submitter. Criteria: ACMG Guidelines, 2015. Collection method: clinical testing. Allele origin: germline. Affected: no.

Genome-Nilou Lab
Classification: Benign for Factor H deficiency. Last evaluated: 2023-04-11. Review status: criteria provided, single submitter. Criteria: ACMG Guidelines, 2015. Collection method: clinical testing. Allele origin: germline. Affected: no.

Fulgent Genetics
Classification: Likely benign for Basal laminar drusen; Hemolytic uremic syndrome, atypical, susceptibility to, 1; Factor H deficiency; Age related macular degeneration 4. Last evaluated: 2021-10-18. Review status: criteria provided, single submitter. Criteria: ACMG Guidelines, 2015. Collection method: clinical testing. Allele origin: unknown.

Illumina Laboratory Services, Illumina
Classification: Likely benign for Basal laminar drusen. Last evaluated: 2018-01-13. Review status: criteria provided, single submitter. Criteria: ICSL Variant Classification Criteria 13 December 2019. Collection method: clinical testing. Allele origin: germline.
Comment: This variant was observed in the ICSL laboratory as part of a predisposition screen in an ostensibly healthy population. It had not been previously curated by ICSL or reported in the Human Gene Mutation Database (HGMD: prior to June 1st, 2018), and was therefore a candidate for classification through an automated scoring system. Utilizing variant allele frequency, disease prevalence and penetrance estimates, and inheritance mode, an automated score was calculated to assess if this variant is too frequent to cause the disease. Based on the score and internal cut-off values, a variant classified as likely benign is not then subjected to further curation. The score for this variant resulted in a classification of likely benign for this disease.

Illumina Laboratory Services, Illumina
Classification: Benign for Hemolytic uremic syndrome, atypical, susceptibility to, 1. Last evaluated: 2018-01-13. Review status: criteria provided, single submitter. Criteria: ICSL Variant Classification Criteria 13 December 2019. Collection method: clinical testing. Allele origin: germline.
Comment: This variant was observed in the ICSL laboratory as part of a predisposition screen in an ostensibly healthy population. It had not been previously curated by ICSL or reported in the Human Gene Mutation Database (HGMD: prior to June 1st, 2018), and was therefore a candidate for classification through an automated scoring system. Utilizing variant allele frequency, disease prevalence and penetrance estimates, and inheritance mode, an automated score was calculated to assess if this variant is too frequent to cause the disease. Based on the score and internal cut-off values, a variant classified as benign is not then subjected to further curation. The score for this variant resulted in a classification of benign for this disease.

Illumina Laboratory Services, Illumina
Classification: Likely benign for Age related macular degeneration 4. Last evaluated: 2018-01-13. Review status: criteria provided, single submitter. Criteria: ICSL Variant Classification Criteria 13 December 2019. Collection method: clinical testing. Allele origin: germline.
Comment: the same text as in the submission from Illumina Laboratory Services, Illumina above.

Illumina Laboratory Services, Illumina
Classification: Likely benign for Membranoproliferative glomerulonephritis with complement factor h deficiency. Last evaluated: 2018-01-13. Review status: criteria provided, single submitter. Criteria: ICSL Variant Classification Criteria 13 December 2019. Collection method: clinical testing. Allele origin: germline.
Comment: the same text as in the submission from Illumina Laboratory Services, Illumina above.

Breakthrough Genomics
Classification: Likely benign. Review status: criteria provided, single submitter. Criteria: ACMG Guidelines, 2015. Collection method: not provided. Allele origin: germline. Inheritance: Autosomal recessive inheritance. Affected: yes.

Clinical Genetics DNA and cytogenetics Diagnostics Lab, Erasmus MC, Erasmus Medical Center
Classification: Likely benign. Review status: no assertion criteria provided. Collection method: clinical testing. Allele origin: germline. Affected: yes. Study: VKGL Data-share Consensus. Not counted in ClinVar's aggregate classification.

Clinical Genetics, Academic Medical Center
Classification: Benign. Review status: no assertion criteria provided. Collection method: clinical testing. Allele origin: germline. Affected: yes. Study: VKGL Data-share Consensus. Not counted in ClinVar's aggregate classification.

Genome Diagnostics Laboratory, University Medical Center Utrecht
Classification: Likely benign. Review status: no assertion criteria provided. Collection method: clinical testing. Allele origin: germline. Affected: yes. Study: VKGL Data-share Consensus. Not counted in ClinVar's aggregate classification.

Literature cited by the submitters: PubMed 30225434 (cited by Genomenon, Inc and Mayo Clinic Laboratories, Mayo Clinic); PubMed 36211394 (cited by Genomenon, Inc and Mayo Clinic Laboratories, Mayo Clinic).